The following is an entry in ClinVar:

ClinVar aggregate classification (germline): Likely benign. Review status: criteria provided, multiple submitters, no conflicts (2 of 4 stars). 7 submissions from 7 submitters: Likely benign (7). Last evaluated 2025-05-22.

Conditions:
BRCA2-related cancer predisposition. Identifiers: MedGen CN377758, MONDO:0700269.
Hereditary cancer-predisposing syndrome. Also called: Hereditary neoplastic syndrome; Hereditary Cancer Syndrome; Neoplastic Syndromes, Hereditary; Tumor predisposition. Identifiers: Orphanet 140162, MedGen C0027672, MeSH D009386, MONDO:0015356.
Hereditary breast ovarian cancer syndrome. Also called: Hereditary breast and ovarian cancer syndrome (HBOC); Hereditary breast and ovarian cancer syndrome; Hereditary breast and ovarian cancer; BRCA1- and BRCA2-Associated Hereditary Breast and Ovarian Cancer; Breast and ovarian cancer; Hereditary breast and/or ovarian cancer syndrome. Identifiers: Orphanet 145, MedGen C0677776, MeSH D061325, MONDO:0003582. Disease mechanism: loss of function.

Allele frequency attached by ClinVar (database versions not stated): gnomAD exomes below 0.00001.
gnomAD v4.1: 3 of 1,613,910 alleles (0.00019%); highest among the groups gnomAD compares: Admixed American, 0.0017%; no homozygotes.

Submissions (7):

Quest Diagnostics Nichols Institute San Juan Capistrano
Classification: Likely benign. Last evaluated: 2025-05-22. Review status: criteria provided, single submitter. Criteria: Quest Diagnostics criteria. Collection method: clinical testing. Allele origin: unknown.

Labcorp Genetics (formerly Invitae), Labcorp
Classification: Likely benign for Hereditary breast ovarian cancer syndrome. Last evaluated: 2025-04-14. Review status: criteria provided, single submitter. Criteria: Invitae Variant Classification Sherloc (09022015). Collection method: clinical testing. Allele origin: germline.

Women's Health and Genetics/Laboratory Corporation of America, LabCorp
Classification: Likely benign. Last evaluated: 2024-12-06. Review status: criteria provided, single submitter. Criteria: LabCorp Variant Classification Summary - May 2015. Collection method: clinical testing. Allele origin: germline.

All of Us Research Program, National Institutes of Health
Classification: Likely benign for BRCA2-related cancer predisposition. Last evaluated: 2024-05-14. Review status: criteria provided, single submitter. Criteria: ACMG Guidelines, 2015. Collection method: clinical testing. Allele origin: germline. Inheritance: Autosomal dominant inheritance. Observed: 3 variant alleles, 3 heterozygotes.
Comment: This study involves interpretation of variants in research participants for the purpose of population health screening. Participant phenotype was not available at the time of variant classification. Additional details can be found in publication PMID: 35346344, PMCID: PMC8962531

Color Diagnostics, LLC DBA Color Health
Classification: Likely benign for Hereditary cancer-predisposing syndrome. Last evaluated: 2018-10-19. Review status: criteria provided, single submitter. Criteria: ACMG Guidelines, 2015. Collection method: clinical testing. Allele origin: germline.

Ambry Genetics
Classification: Likely benign for Hereditary cancer-predisposing syndrome. Last evaluated: 2017-02-14. Review status: criteria provided, single submitter. Criteria: Ambry Variant Classification Scheme 2023. Collection method: clinical testing. Allele origin: germline.

GeneDx
Classification: Likely benign. Last evaluated: 2016-06-02. Review status: criteria provided, single submitter. Criteria: GeneDx Variant Classification (06012015). Collection method: clinical testing. Allele origin: germline. Affected: yes.
Comment: This variant is considered likely benign or benign based on one or more of the following criteria: it is a conservative change, it occurs at a poorly conserved position in the protein, it is predicted to be benign by multiple in silico algorithms, and/or has population frequency not consistent with disease.

NM_000059.4(BRCA2):c.5454A>G (p.Ser1818=)

Gene: BRCA2 (BRCA2 DNA repair associated; plus strand). Cytogenetic location: 13q13.1.
Variant type: single nucleotide variant.
Coding change: c.5454A>G on transcript NM_000059.4 (MANE Select); coding-DNA position 5454, A replaced by G.
Protein change: p.Ser1818=; no amino-acid change (serine 1818 retained).
Molecular consequence: synonymous variant.
Genome position (GRCh38, 1-based): chr13:32,339,809, A>G. VCF-style: chr13-32339809-A-G. GRCh37 (hg19) VCF-style: chr13-32913946-A-G.
Identifiers: ClinVar variation 377582 (VCV000377582.22), dbSNP rs1057520250, ClinGen allele CA16606685.